The following is an entry in ClinVar:

ClinVar aggregate classification (germline): Uncertain significance (1 of 4 stars; one submission).

Conditions:
Arrhythmogenic cardiomyopathy with wooly hair and keratoderma. Also called: Carvajal syndrome; PALMOPLANTAR KERATODERMA WITH LEFT VENTRICULAR CARDIOMYOPATHY AND WOOLLY HAIR; Dilated cardiomyopathy with woolly hair and keratoderma; Arrhythmogenic cardiomyopathy with woolly hair and keratoderma. Identifiers: Orphanet 65282, MedGen C1854063, MONDO:0011581, OMIM 605676.
Arrhythmogenic right ventricular dysplasia 8 (ARVD8). Also called: Arrhythmogenic Right Ventricular Dysplasia/Cardiomyopathy 8; ARRHYTHMOGENIC RIGHT VENTRICULAR DYSPLASIA, FAMILIAL, 8; ARRHYTHMOGENIC RIGHT VENTRICULAR CARDIOMYOPATHY 8. Identifiers: MedGen C1843896, MONDO:0011831, OMIM 607450.

Submission:

Labcorp Genetics (formerly Invitae), Labcorp
Classification: Uncertain significance for Arrhythmogenic cardiomyopathy with wooly hair and keratoderma; Arrhythmogenic right ventricular dysplasia 8. Last evaluated: 2025-09-23. Review status: criteria provided, single submitter. Criteria: Invitae Variant Classification Sherloc (09022015). Collection method: clinical testing. Allele origin: germline.
Comment: This sequence change replaces arginine, which is basic and polar, with proline, which is neutral and non-polar, at codon 808 of the DSP protein (p.Arg808Pro). This variant is not present in population databases (gnomAD no frequency). This variant has not been reported in the literature in individuals affected with DSP-related conditions. An algorithm developed to predict the effect of missense changes on protein structure and function (PolyPhen-2) suggests that this variant is likely to be disruptive. In summary, the available evidence is currently insufficient to determine the role of this variant in disease. Therefore, it has been classified as a Variant of Uncertain Significance.

NM_004415.4(DSP):c.2423G>C (p.Arg808Pro)

Gene: DSP (desmoplakin; plus strand). Cytogenetic location: 6p24.3.
Variant type: single nucleotide variant.
Coding change: c.2423G>C on transcript NM_004415.4 (MANE Select); coding-DNA position 2423, G replaced by C.
Protein change: p.Arg808Pro; replaces arginine 808 with proline.
Molecular consequence: missense variant.
Genome position (GRCh38, 1-based): chr6:7,574,782, G>C. VCF-style: chr6-7574782-G-C. GRCh37 (hg19) VCF-style: chr6-7575015-G-C.
Other names: c.2423G>C, p.Arg808Pro (NM_001008844.3, NM_001319034.2); short protein forms R808P.
Identifiers: ClinVar variation 4786208 (VCV004786208.1).